The following is an entry in ClinVar:

ClinVar aggregate classification (germline): Uncertain significance (1 of 4 stars; one submission).

Conditions:
Hereditary cancer-predisposing syndrome. Also called: Neoplastic Syndromes, Hereditary; Tumor predisposition; Hereditary neoplastic syndrome; Hereditary Cancer Syndrome. Identifiers: Orphanet 140162, MedGen C0027672, MeSH D009386, MONDO:0015356.

Submission:

Ambry Genetics
Classification: Uncertain significance for Hereditary cancer-predisposing syndrome. Last evaluated: 2019-09-04. Review status: criteria provided, single submitter. Criteria: Ambry Variant Classification Scheme 2023. Collection method: clinical testing. Allele origin: germline.
Comment: The p.S1385C variant (also known as c.4153A>T), located in coding exon 15 of the APC gene, results from an A to T substitution at nucleotide position 4153. The serine at codon 1385 is replaced by cysteine, an amino acid with dissimilar properties. This amino acid position is highly conserved in available vertebrate species. In addition, in silico predictors for this gene do not accurately predict pathogenicity. Since supporting evidence is limited at this time, the clinical significance of this alteration remains unclear.

NM_000038.6(APC):c.4153A>T (p.Ser1385Cys)

Gene: APC (APC regulator of Wnt signaling pathway; plus strand). Cytogenetic location: 5q22.2.
Variant type: single nucleotide variant.
Coding change: c.4153A>T on transcript NM_000038.6 (MANE Select); coding-DNA position 4153, A replaced by T.
Protein change: p.Ser1385Cys; replaces serine 1385 with cysteine.
Molecular consequence: missense variant.
Genome position (GRCh38, 1-based): chr5:112,839,747, A>T. VCF-style: chr5-112839747-A-T. GRCh37 (hg19) VCF-style: chr5-112175444-A-T.
Other names: c.4153A>T, p.Ser1385Cys (NM_001127510.3, NM_001354895.2); c.4099A>T, p.Ser1367Cys (NM_001127511.3); c.4207A>T, p.Ser1403Cys (NM_001354896.2); c.4183A>T, p.Ser1395Cys (NM_001354897.2); c.4078A>T, p.Ser1360Cys (NM_001354898.2); c.4069A>T, p.Ser1357Cys (NM_001354899.2); c.4030A>T, p.Ser1344Cys (NM_001354900.2); c.3976A>T, p.Ser1326Cys (NM_001354901.2); and 5 more; short protein forms S1225C, S1259C, S1344C, S1294C, S1326C, S1284C, S1367C, S1385C.
Identifiers: ClinVar variation 824632 (VCV000824632.4), dbSNP rs1580644716, ClinGen allele CA16030431.